The following is an entry in ClinVar:

NM_016292.3(TRAP1):c.1775C>T (p.Ser592Leu)

Genes: DNASE1 (deoxyribonuclease 1; plus strand), TRAP1 (TNF receptor associated protein 1; minus strand). Cytogenetic location: 16p13.3.
Variant type: single nucleotide variant.
Coding change: c.1775C>T on transcript NM_016292.3 (MANE Select); coding-DNA position 1775, C replaced by T.
Protein change: p.Ser592Leu; replaces serine 592 with leucine.
Molecular consequence: missense variant. On other transcripts: 3 prime UTR variant (1).
Genome position (GRCh38, 1-based): chr16:3,662,901, G>A on the plus strand (C>T on the coding strand, the complement: TRAP1 is on the minus strand). VCF-style: chr16-3662901-G-A. GRCh37 (hg19) VCF-style: chr16-3712902-G-A.
Other names: c.1616C>T, p.Ser539Leu (NM_001272049.2); c.*277G>A (NM_001387140.1); short protein forms S539L, S592L.
Identifiers: ClinVar variation 3047096 (VCV003047096.4), dbSNP rs565099748, ClinGen allele CA7867894.

ClinVar aggregate classification (germline): Uncertain significance. Review status: criteria provided, multiple submitters, no conflicts (2 of 4 stars). 3 submissions from 3 submitters: Uncertain significance (2). 1 of the submissions does not count toward it. Last evaluated 2025-10-01.

Conditions:
TRAP1-related disorder. Also called: TRAP1-related condition.

Allele frequency attached by ClinVar (database versions not stated): gnomAD 0.00009; 1000 Genomes Project 0.00100; 1000 Genomes Project 30x 0.00078; TOPMed 0.00005; ExAC 0.00009.
gnomAD v4.1: 87 of 1,613,436 alleles (0.0054%); highest among the groups gnomAD compares: South Asian, 0.061%; 1 homozygote.

Submissions (3):

Ambry Genetics
Classification: Uncertain significance. Last evaluated: 2025-10-01. Review status: criteria provided, single submitter. Criteria: Ambry Variant Classification Scheme 2023. Collection method: clinical testing. Allele origin: germline.

Labcorp Genetics (formerly Invitae), Labcorp
Classification: Uncertain significance. Last evaluated: 2024-06-08. Review status: criteria provided, single submitter. Criteria: Invitae Variant Classification Sherloc (09022015). Collection method: clinical testing. Allele origin: germline.
Comment: This sequence change replaces serine, which is neutral and polar, with leucine, which is neutral and non-polar, at codon 592 of the TRAP1 protein (p.Ser592Leu). This variant is present in population databases (rs565099748, gnomAD 0.03%). This variant has not been reported in the literature in individuals affected with TRAP1-related conditions. Advanced modeling of protein sequence and biophysical properties (such as structural, functional, and spatial information, amino acid conservation, physicochemical variation, residue mobility, and thermodynamic stability) performed at Invitae indicates that this missense variant is not expected to disrupt TRAP1 protein function with a negative predictive value of 80%. In summary, the available evidence is currently insufficient to determine the role of this variant in disease. Therefore, it has been classified as a Variant of Uncertain Significance.

PreventionGenetics, part of Exact Sciences
Classification: Uncertain significance for TRAP1-related condition. Last evaluated: 2024-02-23. Review status: no assertion criteria provided. Collection method: clinical testing. Allele origin: germline. Not counted in ClinVar's aggregate classification.
Comment: The TRAP1 c.1775C>T variant is predicted to result in the amino acid substitution p.Ser592Leu. To our knowledge, this variant has not been reported in the literature. This variant is reported in 0.026% of alleles in individuals of South Asian descent in gnomAD. At this time, the clinical significance of this variant is uncertain due to the absence of conclusive functional and genetic evidence.